The following is an entry in ClinVar:

ClinVar aggregate classification (germline): Uncertain significance (1 of 4 stars; one submission).

Allele frequency attached by ClinVar (database versions not stated): gnomAD exomes below 0.00001.
gnomAD v4.1: 1 of 1,613,600 alleles (0.000062%); highest among the groups gnomAD compares: Non-Finnish European, 0.000085%; no homozygotes.

Submission:

Labcorp Genetics (formerly Invitae), Labcorp
Classification: Uncertain significance. Last evaluated: 2022-02-09. Review status: criteria provided, single submitter. Criteria: Invitae Variant Classification Sherloc (09022015). Collection method: clinical testing. Allele origin: germline.
Comment: In summary, the available evidence is currently insufficient to determine the role of this variant in disease. Therefore, it has been classified as a Variant of Uncertain Significance. Algorithms developed to predict the effect of missense changes on protein structure and function output the following: SIFT: "Tolerated"; PolyPhen-2: "Benign"; Align-GVGD: "Class C0". The valine amino acid residue is found in multiple mammalian species, which suggests that this missense change does not adversely affect protein function. This variant has not been reported in the literature in individuals affected with RNASEH1-related conditions. This variant is present in population databases (no rsID available, gnomAD 0.0009%). This sequence change replaces isoleucine, which is neutral and non-polar, with valine, which is neutral and non-polar, at codon 268 of the RNASEH1 protein (p.Ile268Val).

NM_002936.6(RNASEH1):c.802A>G (p.Ile268Val)

Gene: RNASEH1 (ribonuclease H1; minus strand). Cytogenetic location: 2p25.3.
Variant type: single nucleotide variant.
Coding change: c.802A>G on transcript NM_002936.6 (MANE Select); coding-DNA position 802, A replaced by G.
Protein change: p.Ile268Val; replaces isoleucine 268 with valine.
Molecular consequence: missense variant. On other transcripts: synonymous variant (1), non-coding transcript variant (7).
Genome position (GRCh38, 1-based): chr2:3,545,844, T>C on the plus strand (A>G on the coding strand, the complement: RNASEH1 is on the minus strand). VCF-style: chr2-3545844-T-C. GRCh37 (hg19) VCF-style: chr2-3593434-T-C.
Other names: c.724A>G, p.Ile242Val (NM_001286834.3); c.451A>G, p.Ile151Val (NM_001286837.3); c.822A>G, p.Leu274= (NM_001378271.1); c.799A>G, p.Ile267Val (NM_001378272.1); c.787A>G, p.Ile263Val (NM_001378273.1); short protein forms I263V, I151V, I242V, I267V, I268V.
Identifiers: ClinVar variation 2094844 (VCV002094844.4), dbSNP rs1316689663, ClinGen allele CA345735737.